The following is an entry in ClinVar:

NM_005391.5(PDK3):c.751-10A>G

Gene: PDK3 (pyruvate dehydrogenase kinase 3; plus strand). Cytogenetic location: Xp22.11.
Variant type: single nucleotide variant.
Coding change: c.751-10A>G on transcript NM_005391.5 (MANE Select); 10 bases into the intron before coding-DNA position 751, A replaced by G.
Molecular consequence: intron variant.
Genome position (GRCh38, 1-based): chrX:24,527,564, A>G. VCF-style: chrX-24527564-A-G. GRCh37 (hg19) VCF-style: chrX-24545681-A-G.
Other names: c.751-10A>G (NM_001142386.3).
Identifiers: ClinVar variation 541116 (VCV000541116.15), dbSNP rs372774822, ClinGen allele CA10372350.
Genomic context (GRCh38, chrX:24,527,564, plus strand): 5'-CTTCTTTCTCTTTAAAAATTGTGGTTTGTGATTCGGCAGTATGATTAATAAAAAGATCTT[A>G]TTATTTTAGAACTCAATGAGAGCGACAGTTGAACTCTATGAAGACAGAAAAGAGGGCTAC-3'

ClinVar aggregate classification (germline): Likely benign. Review status: criteria provided, multiple submitters, no conflicts (2 of 4 stars). 4 submissions from 4 submitters: Likely benign (4). Last evaluated 2025-07-09.

Conditions:
PDK3-related disorder. Also called: PDK3-related condition.
Charcot-Marie-Tooth disease. Also called: Charcot-Marie-Tooth Hereditary Neuropathy; Charcot-Marie-Tooth Neuropathy. Identifiers: Orphanet 166, MedGen C0007959, MONDO:0015626.
Charcot-Marie-Tooth disease X-linked dominant 6. Also called: CHARCOT-MARIE-TOOTH NEUROPATHY, X-LINKED DOMINANT, 6. Identifiers: Orphanet 352675, MedGen C3806702, MONDO:0010479, OMIM 300905.

Allele frequency attached by ClinVar (database versions not stated): gnomAD exomes 0.00006; ExAC 0.00007; TOPMed 0.00007; gnomAD 0.00008 and 0.00009; ESP Exome Variant Server 0.00019.
gnomAD v4.1: 73 of 1,035,383 alleles (0.0071%); highest among the groups gnomAD compares: Non-Finnish European, 0.0082%; no homozygotes.

Submissions (4):

PreventionGenetics, part of Exact Sciences
Classification: Likely benign for PDK3-related condition. Last evaluated: 2025-07-09. Review status: criteria provided, single submitter. Criteria: ACMG Guidelines, 2015. Collection method: clinical testing. Allele origin: germline.
Comment: This variant is classified as likely benign based on ACMG/AMP sequence variant interpretation guidelines (Richards et al. 2015 PMID: 25741868, with internal and published modifications).

Women's Health and Genetics/Laboratory Corporation of America, LabCorp
Classification: Likely benign. Last evaluated: 2025-01-13. Review status: criteria provided, single submitter. Criteria: LabCorp Variant Classification Summary - May 2015. Collection method: clinical testing. Allele origin: germline.

Labcorp Genetics (formerly Invitae), Labcorp
Classification: Likely benign for Charcot-Marie-Tooth disease X-linked dominant 6. Last evaluated: 2025-01-12. Review status: criteria provided, single submitter. Criteria: Invitae Variant Classification Sherloc (09022015). Collection method: clinical testing. Allele origin: germline.

Molecular Genetics Laboratory, London Health Sciences Centre
Classification: Likely benign for Charcot-Marie-Tooth disease. Review status: criteria provided, single submitter. Criteria: ACMG Guidelines, 2015. Collection method: clinical testing. Allele origin: germline. Affected: yes.